The following is an entry in ClinVar:

ClinVar aggregate classification (germline): Uncertain significance (1 of 4 stars; one submission).

Submission:

Labcorp Genetics (formerly Invitae), Labcorp
Classification: Uncertain significance. Last evaluated: 2024-12-12. Review status: criteria provided, single submitter. Criteria: Invitae Variant Classification Sherloc (09022015). Collection method: clinical testing. Allele origin: germline.
Comment: This sequence change replaces glutamine, which is neutral and polar, with proline, which is neutral and non-polar, at codon 1278 of the SZT2 protein (p.Gln1278Pro). This variant is not present in population databases (gnomAD no frequency). This variant has not been reported in the literature in individuals affected with SZT2-related conditions. Invitae Evidence Modeling of protein sequence and biophysical properties (such as structural, functional, and spatial information, amino acid conservation, physicochemical variation, residue mobility, and thermodynamic stability) indicates that this missense variant is expected to disrupt SZT2 protein function with a positive predictive value of 80%. In summary, the available evidence is currently insufficient to determine the role of this variant in disease. Therefore, it has been classified as a Variant of Uncertain Significance.

NM_001365999.1(SZT2):c.4004A>C (p.Gln1335Pro)

Gene: SZT2 (SZT2 subunit of KICSTOR complex; plus strand). Cytogenetic location: 1p34.2.
Variant type: single nucleotide variant.
Coding change: c.4004A>C on transcript NM_001365999.1 (MANE Select); coding-DNA position 4004, A replaced by C.
Protein change: p.Gln1335Pro; replaces glutamine 1335 with proline.
Molecular consequence: missense variant.
Genome position (GRCh38, 1-based): chr1:43,428,324, A>C. VCF-style: chr1-43428324-A-C. GRCh37 (hg19) VCF-style: chr1-43893995-A-C.
Other names: c.3833A>C, p.Gln1278Pro (NM_015284.4); short protein forms Q1335P, Q1278P.
Identifiers: ClinVar variation 3702490 (VCV003702490.2).